The following is an entry in ClinVar:

NM_001199107.2(TBC1D24):c.919A>C (p.Asn307His)

Gene: TBC1D24 (TBC1 domain family member 24; plus strand). Cytogenetic location: 16p13.3.
Variant type: single nucleotide variant.
Coding change: c.919A>C on transcript NM_001199107.2 (MANE Select); coding-DNA position 919, A replaced by C.
Protein change: p.Asn307His; replaces asparagine 307 with histidine.
Molecular consequence: missense variant.
Genome position (GRCh38, 1-based): chr16:2,497,067, A>C. VCF-style: chr16-2497067-A-C. GRCh37 (hg19) VCF-style: chr16-2547068-A-C.
Other names: c.919A>C, p.Asn307His (NM_020705.3); short protein forms N307H.
Identifiers: ClinVar variation 425556 (VCV000425556.7), dbSNP rs1555501320, ClinGen allele CA394377931.

ClinVar aggregate classification (germline): Pathogenic. Review status: criteria provided, single submitter (1 of 4 stars). 2 submissions from 2 submitters: Pathogenic (1). 1 of the submissions does not count toward it. Last evaluated 2022-09-25.

Conditions:
Autosomal dominant nonsyndromic hearing loss 65. Also called: Deafness, autosomal dominant 65; TBC1D24-Related Autosomal Dominant Nonsyndromic Hearing Loss (DFNA). Identifiers: Orphanet 90635, MedGen C3892048, MONDO:0014470, OMIM 616044.
Developmental and epileptic encephalopathy, 1 (DEE1). Also called: X-linked infantile spasms; West's syndrome; Tonic spasms with clustering, arrest of psychomotor development and hypsarrhythmia on EEG; X-Linked Infantile Spasm Syndrome; OHTAHARA SYNDROME, X-LINKED; Epileptic encephalopathy, early infantile, 1. Identifiers: MedGen C3463992, MONDO:0010632, OMIM 308350. Disease mechanism: loss of function.

Submissions (2):

Labcorp Genetics (formerly Invitae), Labcorp
Classification: Pathogenic for Developmental and epileptic encephalopathy, 1; Autosomal dominant nonsyndromic hearing loss 65. Last evaluated: 2022-09-25. Review status: criteria provided, single submitter. Criteria: Invitae Variant Classification Sherloc (09022015). Collection method: clinical testing. Allele origin: germline.
Comment: This sequence change replaces asparagine, which is neutral and polar, with histidine, which is basic and polar, at codon 307 of the TBC1D24 protein (p.Asn307His). This variant is not present in population databases (gnomAD no frequency). This missense change has been observed in individuals with deafness (PMID: 33281559). It has also been observed to segregate with disease in related individuals. ClinVar contains an entry for this variant (Variation ID: 425556). Advanced modeling of protein sequence and biophysical properties (such as structural, functional, and spatial information, amino acid conservation, physicochemical variation, residue mobility, and thermodynamic stability) performed at Invitae indicates that this missense variant is not expected to disrupt TBC1D24 protein function. For these reasons, this variant has been classified as Pathogenic.

Genetics, Medical University of Vienna
Classification: Likely pathogenic for Autosomal dominant nonsyndromic hearing loss 65. Last evaluated: 2024-11-01. Review status: no assertion criteria provided. Collection method: research. Allele origin: germline. Affected: yes. Study: PGL &amp; DFNA. Not counted in ClinVar's aggregate classification.

Literature cited by the submitters: PubMed 33281559 (cited by Labcorp Genetics (formerly Invitae), Labcorp and Genetics, Medical University of Vienna).